The following is an entry in ClinVar:

NM_000038.6(APC):c.1627-16A>C

Gene: APC (APC regulator of Wnt signaling pathway; plus strand). Cytogenetic location: 5q22.2.
Variant type: single nucleotide variant.
Coding change: c.1627-16A>C on transcript NM_000038.6 (MANE Select); 16 bases into the intron before coding-DNA position 1627, A replaced by C.
Molecular consequence: intron variant.
Genome position (GRCh38, 1-based): chr5:112,828,840, A>C. VCF-style: chr5-112828840-A-C. GRCh37 (hg19) VCF-style: chr5-112164537-A-C.
Other names: c.1627-16A>C (NM_001354895.2, NM_001127510.3); c.1657-16A>C (NM_001354897.2); c.1354-16A>C (NM_001354902.2); c.1573-16A>C (NM_001127511.3); c.1552-16A>C (NM_001354898.2); c.1249-16A>C (NM_001354904.2); c.778-16A>C (NM_001354906.2); c.1681-16A>C (NM_001354896.2); and 5 more.
Identifiers: ClinVar variation 627826 (VCV000627826.11), dbSNP rs1561557222, ClinGen allele CA913187318.

ClinVar aggregate classification (germline): Likely benign. Review status: criteria provided, multiple submitters, no conflicts (2 of 4 stars). 3 submissions from 3 submitters: Likely benign (3). Last evaluated 2025-04-17.

Conditions:
Hereditary cancer-predisposing syndrome. Also called: Tumor predisposition; Hereditary Cancer Syndrome; Neoplastic Syndromes, Hereditary; Hereditary neoplastic syndrome. Identifiers: Orphanet 140162, MedGen C0027672, MeSH D009386, MONDO:0015356.
Familial adenomatous polyposis 1 (FAP1). Also called: FAMILIAL ADENOMATOUS POLYPOSIS 1, ATTENUATED; POLYPOSIS, ADENOMATOUS INTESTINAL. Identifiers: MedGen C2713442, MONDO:0021056, OMIM 175100. Disease mechanism: loss of function.

Allele frequency attached by ClinVar (database versions not stated): TOPMed below 0.00001.
gnomAD v4.1: 1 of 1,532,542 alleles (0.000065%); no homozygotes.

Submissions (3):

Labcorp Genetics (formerly Invitae), Labcorp
Classification: Likely benign for Familial adenomatous polyposis 1. Last evaluated: 2025-04-17. Review status: criteria provided, single submitter. Criteria: Invitae Variant Classification Sherloc (09022015). Collection method: clinical testing. Allele origin: germline.

Myriad Genetics, Inc.
Classification: Likely benign for Familial adenomatous polyposis 1. Last evaluated: 2024-03-06. Review status: criteria provided, single submitter. Criteria: Myriad Autosomal Dominant, Autosomal Recessive and X-Linked Classification Criteria (2023). Collection method: clinical testing. Allele origin: unknown.
Comment: This variant is considered likely benign. This variant is intronic and is not expected to impact mRNA splicing.

Color Diagnostics, LLC DBA Color Health
Classification: Likely benign for Hereditary cancer-predisposing syndrome. Last evaluated: 2017-11-30. Review status: criteria provided, single submitter. Criteria: ACMG Guidelines, 2015. Collection method: clinical testing. Allele origin: germline.